The following is an entry in ClinVar:

NM_024753.5(TTC21B):c.3770C>A (p.Ala1257Glu)

Gene: TTC21B (tetratricopeptide repeat domain 21B; minus strand). Cytogenetic location: 2q24.3.
Variant type: single nucleotide variant.
Coding change: c.3770C>A on transcript NM_024753.5 (MANE Select); coding-DNA position 3770, C replaced by A.
Protein change: p.Ala1257Glu; replaces alanine 1257 with glutamic acid.
Molecular consequence: missense variant.
Genome position (GRCh38, 1-based): chr2:165,880,714, G>T on the plus strand (C>A on the coding strand, the complement: TTC21B is on the minus strand). VCF-style: chr2-165880714-G-T. GRCh37 (hg19) VCF-style: chr2-166737224-G-T.
Other names: c.3770C>A (NM_024753.4); short protein forms A1257E.
Identifiers: ClinVar variation 2078641 (VCV002078641.3), dbSNP rs374722834, ClinGen allele CA1941411.
Genomic context (GRCh38, chr2:165,880,714, plus strand): 5'-AAATCTAGGTGATTGCCAAACTCACCTACTGCCGGATTTGTCCGATTGCTATATTTCCAT[G>T]CCATCTCATAGTTCAAGGCAGCATCTGTATATGCTTGCTCTTTTTCCATAATGTATCCCA-3'
Protein context (NP_079029.3, residues 1247-1267): YTDAALNYEM[Ala1257Glu]WKYSNRTNPA

ClinVar aggregate classification (germline): Uncertain significance. Review status: criteria provided, single submitter (1 of 4 stars). 2 submissions from 2 submitters: Uncertain significance (1). 1 of the submissions does not count toward it. Last evaluated 2023-07-21.

Conditions:
Jeune thoracic dystrophy. Also called: Jeune syndrome; Infantile thoracic dystrophy; Thoracic pelvic phalangeal dystrophy; Jeune's syndrome; Chondroectodermal dysplasia-like syndrome; Short-rib thoracic dysplasia. Identifiers: Orphanet 474, MedGen C0265275, MONDO:0018770.
Nephronophthisis. Also called: Juvenile Nephronophthisis. Identifiers: Orphanet 655, MedGen C0687120, MONDO:0019005, HP:0000090.
TTC21B-related disorder. Also called: TTC21B-related condition; TTC21B-related disorders.

Allele frequency attached by ClinVar (database versions not stated): gnomAD exomes 0.00001; ExAC 0.00004; ESP Exome Variant Server 0.00008; gnomAD 0.00008; TOPMed 0.00009; 1000 Genomes Project 0.00020; 1000 Genomes Project 30x 0.00031.

Submissions (2):

Labcorp Genetics (formerly Invitae), Labcorp
Classification: Uncertain significance for Jeune thoracic dystrophy; Nephronophthisis. Last evaluated: 2023-07-21. Review status: criteria provided, single submitter. Criteria: Invitae Variant Classification Sherloc (09022015). Collection method: clinical testing. Allele origin: germline.
Comment: In summary, the available evidence is currently insufficient to determine the role of this variant in disease. Therefore, it has been classified as a Variant of Uncertain Significance. Advanced modeling of protein sequence and biophysical properties (such as structural, functional, and spatial information, amino acid conservation, physicochemical variation, residue mobility, and thermodynamic stability) has been performed at Invitae for this missense variant, however the output from this modeling did not meet the statistical confidence thresholds required to predict the impact of this variant on TTC21B protein function. ClinVar contains an entry for this variant (Variation ID: 2078641). This variant has not been reported in the literature in individuals affected with TTC21B-related conditions. This variant is present in population databases (rs374722834, gnomAD 0.04%). This sequence change replaces alanine, which is neutral and non-polar, with glutamic acid, which is acidic and polar, at codon 1257 of the TTC21B protein (p.Ala1257Glu).

PreventionGenetics, part of Exact Sciences
Classification: Uncertain significance for TTC21B-related condition. Last evaluated: 2024-08-24. Review status: no assertion criteria provided. Collection method: clinical testing. Allele origin: germline. Not counted in ClinVar's aggregate classification.
Comment: The TTC21B c.3770C>A variant is predicted to result in the amino acid substitution p.Ala1257Glu. To our knowledge, this variant has not been reported in the literature. This variant is reported in 0.036% of alleles in individuals of African descent in gnomAD. At this time, the clinical significance of this variant is uncertain due to the absence of conclusive functional and genetic evidence.